The following is an entry in ClinVar:

ClinVar aggregate classification (germline): Conflicting classifications of pathogenicity. Review status: criteria provided, conflicting classifications (1 of 4 stars). 2 submissions from 2 submitters: Uncertain significance (1); Likely benign (1). Last evaluated 2025-12-22.

Conditions:
Nephronophthisis. Also called: Juvenile Nephronophthisis. Identifiers: Orphanet 655, MedGen C0687120, MONDO:0019005, HP:0000090.
Joubert syndrome. Also called: Familial aplasia of the vermis; JOUBERT-BOLTSHAUSER SYNDROME. Identifiers: Orphanet 475, MedGen C5979921, MONDO:0018772.
Meckel-Gruber syndrome. Also called: Dysencephalia splachnocystica; DYSENCEPHALIA SPLANCHNOCYSTICA; GRUBER SYNDROME. Identifiers: Orphanet 564, MedGen C0265215, MONDO:0018921.
CEP290-related disorder. Also called: CEP290-related condition; CEP290-related disorders. Identifiers: MedGen CN239314.

gnomAD v4.1: 1 of 1,506,574 alleles (0.000066%); highest among the groups gnomAD compares: Non-Finnish European, 0.000091%; no homozygotes.

Submissions (2):

Labcorp Genetics (formerly Invitae), Labcorp
Classification: Likely benign for Joubert syndrome; Meckel-Gruber syndrome; Nephronophthisis. Last evaluated: 2025-12-22. Review status: criteria provided, single submitter. Criteria: Invitae Variant Classification Sherloc (09022015). Collection method: clinical testing. Allele origin: germline.

PreventionGenetics, part of Exact Sciences
Classification: Uncertain significance for CEP290-related condition. Last evaluated: 2025-07-03. Review status: criteria provided, single submitter. Criteria: ACMG Guidelines, 2015. Collection method: clinical testing. Allele origin: germline.
Comment: The CEP290 c.4812+9C>G variant is predicted to interfere with splicing. To our knowledge, this variant has not been reported in the literature or in a large population database (gnomAD), indicating this variant is rare. This variant is predicted to alter splicing based on available splicing prediction programs (SpliceAI, Jaganathan et al. 2019. PubMed ID: 30661751). However, the use of computer prediction programs is not equivalent to functional evidence. At this time, the clinical significance of this variant is uncertain due to the absence of conclusive functional and genetic evidence.

NM_025114.4(CEP290):c.4812+9C>G

Gene: CEP290 (centrosomal protein 290; minus strand). Cytogenetic location: 12q21.32.
Variant type: single nucleotide variant.
Coding change: c.4812+9C>G on transcript NM_025114.4 (MANE Select); 9 bases into the intron after coding-DNA position 4812, C replaced by G.
Molecular consequence: intron variant.
Genome position (GRCh38, 1-based): chr12:88,083,838, G>C on the plus strand (C>G on the coding strand, the complement: CEP290 is on the minus strand). VCF-style: chr12-88083838-G-C. GRCh37 (hg19) VCF-style: chr12-88477615-G-C.
Other names: c.4812+9C>G (NM_025114.3).
Identifiers: ClinVar variation 4787918 (VCV004787918.2).
Genomic context (GRCh38, chr12:88,083,838, plus strand): 5'-AGAGCTGAATTTTAATTTACATGGTCACAAAAATCAATAAAGAATGGAACAAAGTTCTTA[G>C]AATCTTACCCAAGCCGTTTGTTTGAATTTATTTAGTGAACTATCAGCCTGTAGTTCTAAT-3'